The following is an entry in ClinVar:

ClinVar aggregate classification (germline): Conflicting classifications of pathogenicity. Review status: criteria provided, conflicting classifications (1 of 4 stars). 10 submissions from 10 submitters: Uncertain significance (5); Benign (1); Likely benign (2). 2 of the submissions do not count toward it. Last evaluated 2026-03-19.

Conditions:
Polycystic kidney disease 4 (PKD4). Also called: POLYCYSTIC KIDNEY AND HEPATIC DISEASE 1; POLYCYSTIC KIDNEY DISEASE, INFANTILE, TYPE I; PKD3; POLYCYSTIC KIDNEY DISEASE 4 WITH OR WITHOUT POLYCYSTIC LIVER DISEASE; Autosomal Recessive Polycystic Kidney Disease – PKHD1. Identifiers: MedGen C4540575, MONDO:0033004, OMIM 263200.
PKHD1-related disorder. Also called: PKHD1-related condition.
Autosomal recessive polycystic kidney disease (ARPKD). Also called: AR polycystic kidney disease. Identifiers: Orphanet 731, Orphanet 8378, MedGen C0085548, MeSH D017044, MONDO:0009889.

Allele frequency attached by ClinVar (database versions not stated): ESP Exome Variant Server 0.00046; gnomAD exomes 0.00037 and 0.00017; gnomAD 0.00020 and 0.00022; TOPMed 0.00024; ExAC 0.00039.
gnomAD v4.1: 310 of 1,613,888 alleles (0.019%); highest among the groups gnomAD compares: Admixed American, 0.0067%; 2 homozygotes.

Submissions (10):

GeneDx
Classification: Uncertain significance. Last evaluated: 2026-03-19. Review status: criteria provided, single submitter. Criteria: GeneDx Variant Classification Process June 2021. Collection method: clinical testing. Allele origin: germline.
Comment: In silico analysis suggests that this missense variant does not alter protein structure/function; Has not been previously published as pathogenic or benign to our knowledge

Labcorp Genetics (formerly Invitae), Labcorp
Classification: Benign for Autosomal recessive polycystic kidney disease. Last evaluated: 2026-01-25. Review status: criteria provided, single submitter. Criteria: Invitae Variant Classification Sherloc (09022015). Collection method: clinical testing. Allele origin: germline.

Mayo Clinic Laboratories, Mayo Clinic
Classification: Likely benign. Last evaluated: 2025-12-07. Review status: criteria provided, single submitter. Criteria: ACMG Guidelines, 2015. Collection method: clinical testing. Allele origin: germline. Observed: 1 variant allele.
Comment: BS1

Women's Health and Genetics/Laboratory Corporation of America, LabCorp
Classification: Uncertain significance. Last evaluated: 2023-03-19. Review status: criteria provided, single submitter. Criteria: LabCorp Variant Classification Summary - May 2015. Collection method: clinical testing. Allele origin: germline.

Genetic Services Laboratory, University of Chicago
Classification: Uncertain significance. Last evaluated: 2023-01-20. Review status: criteria provided, single submitter. Criteria: ACMG Guidelines, 2015. Collection method: clinical testing. Allele origin: germline. Affected: no.
Comment: DNA sequence analysis of the PKHD1 gene demonstrated a sequence change, c.9478C>T, in exon 58 that results in an amino acid change, p.His3160Tyr. This sequence change has been described in the gnomAD database with a frequency of 0.76% in the Ashkenazi Jewish subpopulation and includes one individual homozygous for this variant (dbSNP rs147351244The p.His3160Tyr change affects a moderately conserved amino acid residue located in a domain of the PKHD1 protein that is known to be functional. In-silico pathogenicity prediction tools (SIFT, PolyPhen2, Align GVGD, REVEL) provide contradictory results for the p.His3160Tyr substitution. This sequence change does not appear to have been previously described in individuals with PKHD1-related disorders. Due to insufficient evidences and the lack of functional studies, the clinical significance of the p.His3160Tyr change remains unknown at this time.

Department of Pathology and Laboratory Medicine, Sinai Health System
Classification: Uncertain significance for Polycystic kidney disease 4. Last evaluated: 2022-07-27. Review status: criteria provided, single submitter. Criteria: ACMG Guidelines, 2015. Collection method: clinical testing. Allele origin: germline.

Illumina Laboratory Services, Illumina
Classification: Uncertain significance for Polycystic kidney disease 4. Last evaluated: 2018-01-13. Review status: criteria provided, single submitter. Criteria: ICSL Variant Classification Criteria 13 December 2019. Collection method: clinical testing. Allele origin: germline.

Eurofins Ntd Llc (ga)
Classification: Likely benign. Last evaluated: 2017-08-22. Review status: criteria provided, single submitter. Criteria: EGL Classification Definitions 2015. Collection method: clinical testing. Allele origin: germline. Observed: 2 variant alleles, 2 heterozygotes.

PreventionGenetics, part of Exact Sciences
Classification: Likely benign for PKHD1-related condition. Last evaluated: 2023-11-08. Review status: no assertion criteria provided. Collection method: clinical testing. Allele origin: germline. Not counted in ClinVar's aggregate classification.
Comment: This variant is classified as likely benign based on ACMG/AMP sequence variant interpretation guidelines (Richards et al. 2015 PMID: 25741868, with internal and published modifications).

Natera, Inc.
Classification: Uncertain significance for Autosomal recessive polycystic kidney disease. Last evaluated: 2020-01-17. Review status: no assertion criteria provided. Collection method: clinical testing. Allele origin: germline. Not counted in ClinVar's aggregate classification.

NM_138694.4(PKHD1):c.9478C>T (p.His3160Tyr)

Gene: PKHD1 (PKHD1 ciliary IPT domain containing fibrocystin/polyductin; minus strand). Cytogenetic location: 6p12.3.
Variant type: single nucleotide variant.
Coding change: c.9478C>T on transcript NM_138694.4 (MANE Select); coding-DNA position 9478, C replaced by T.
Protein change: p.His3160Tyr; replaces histidine 3160 with tyrosine.
Molecular consequence: missense variant.
Genome position (GRCh38, 1-based): chr6:51,748,138, G>A on the plus strand (C>T on the coding strand, the complement: PKHD1 is on the minus strand). VCF-style: chr6-51748138-G-A. GRCh37 (hg19) VCF-style: chr6-51612936-G-A.
Other names: p.His3160Tyr; c.9478C>T, p.His3160Tyr (NM_170724.3); short protein forms H3160Y.
Identifiers: ClinVar variation 285245 (VCV000285245.30), dbSNP rs147351244, ClinGen allele CA3851385.